The following is an entry in ClinVar:

NM_000368.5(TSC1):c.1307A>T (p.His436Leu)

Gene: TSC1 (TSC complex subunit 1; minus strand). Cytogenetic location: 9q34.13.
Variant type: single nucleotide variant.
Coding change: c.1307A>T on transcript NM_000368.5 (MANE Select); coding-DNA position 1307, A replaced by T.
Protein change: p.His436Leu; replaces histidine 436 with leucine.
Molecular consequence: missense variant. On other transcripts: non-coding transcript variant (5).
Genome position (GRCh38, 1-based): chr9:132,907,327, T>A on the plus strand (A>T on the coding strand, the complement: TSC1 is on the minus strand). VCF-style: chr9-132907327-T-A. GRCh37 (hg19) VCF-style: chr9-135782714-T-A.
Other names: c.1304A>T, p.His435Leu (NM_001162426.2, NM_001406597.1, NM_001406598.1 and 6 more transcripts); c.1154A>T, p.His385Leu (NM_001162427.2, NM_001406610.1); c.944A>T, p.His315Leu (NM_001362177.2, NM_001406614.1, NM_001406615.1 and 5 more transcripts); c.1307A>T, p.His436Leu (NM_001406592.1, NM_001406593.1, NM_001406594.1 and 7 more transcripts); c.1151A>T, p.His384Leu (NM_001406611.1, NM_001406612.1, NM_001406613.1); c.941A>T, p.His314Leu (NM_001406620.1, NM_001406621.1, NM_001406622.1 and 2 more transcripts); c.356A>T, p.His119Leu (NM_001406626.1); c.353A>T, p.His118Leu (NM_001406627.1, NM_001406628.1); and 1 more; short protein forms H314L, H385L, H85L, H118L, H119L, H315L, H384L, H435L.
Identifiers: ClinVar variation 4554192 (VCV004554192.1).

ClinVar aggregate classification (germline): Uncertain significance (1 of 4 stars; one submission).

Conditions:
Hereditary cancer-predisposing syndrome. Also called: Tumor predisposition; Hereditary Cancer Syndrome; Hereditary neoplastic syndrome; Neoplastic Syndromes, Hereditary. Identifiers: Orphanet 140162, MedGen C0027672, MeSH D009386, MONDO:0015356.

Submission:

Ambry Genetics
Classification: Uncertain significance for Hereditary cancer-predisposing syndrome. Last evaluated: 2025-10-09. Review status: criteria provided, single submitter. Criteria: Ambry Variant Classification Scheme 2023. Collection method: clinical testing. Allele origin: germline.
Comment: The p.H436L variant (also known as c.1307A>T), located in coding exon 11 of the TSC1 gene, results from an A to T substitution at nucleotide position 1307. The histidine at codon 436 is replaced by leucine, an amino acid with similar properties. This amino acid position is conserved. In addition, this alteration is predicted to be tolerated by in silico analysis. Based on the available evidence, the clinical significance of this variant remains unclear.